The following is an entry in ClinVar:

ClinVar aggregate classification (germline): Uncertain significance (1 of 4 stars; one submission).

Conditions:
Long QT syndrome (LQTS). Identifiers: MedGen C0023976, MeSH D008133, MONDO:0002442. Disease mechanism: loss of function. Inheritance: Various modes of inheritance.

Submission:

Labcorp Genetics (formerly Invitae), Labcorp
Classification: Uncertain significance for Long QT syndrome. Last evaluated: 2022-04-28. Review status: criteria provided, single submitter. Criteria: Invitae Variant Classification Sherloc (09022015). Collection method: clinical testing. Allele origin: germline.
Comment: This sequence change falls in intron 17 of the CACNA1C gene. It does not directly change the encoded amino acid sequence of the CACNA1C protein. It affects a nucleotide within the consensus splice site. This variant is not present in population databases (gnomAD no frequency). This variant has not been reported in the literature in individuals affected with CACNA1C-related conditions. Variants that disrupt the consensus splice site are a relatively common cause of aberrant splicing (PMID: 17576681, 9536098). Algorithms developed to predict the effect of sequence changes on RNA splicing suggest that this variant is not likely to affect RNA splicing. In summary, the available evidence is currently insufficient to determine the role of this variant in disease. Therefore, it has been classified as a Variant of Uncertain Significance.

Literature cited by the submitters: PubMed 17576681; PubMed 9536098.

NM_000719.7(CACNA1C):c.2460+5G>C

Gene: CACNA1C (calcium voltage-gated channel subunit alpha1 C; plus strand). Cytogenetic location: 12p13.33.
Variant type: single nucleotide variant.
Coding change: c.2460+5G>C on transcript NM_000719.7 (MANE Select); 5 bases into the intron after coding-DNA position 2460, G replaced by C.
Molecular consequence: intron variant.
Genome position (GRCh38, 1-based): chr12:2,585,501, G>C. VCF-style: chr12-2585501-G-C. GRCh37 (hg19) VCF-style: chr12-2694667-G-C.
Other names: c.2460+5G>C (NM_001167624.3, NM_001167623.2, NM_001167625.2 and 18 more transcripts); c.2451+5G>C (NM_001129844.2).
Identifiers: ClinVar variation 1466508 (VCV001466508.6), dbSNP rs2062073653, ClinGen allele CA2573148390.